The following is an entry in ClinVar:

ClinVar aggregate classification (germline): Uncertain significance. Review status: criteria provided, multiple submitters, no conflicts (2 of 4 stars). 3 submissions from 3 submitters: Uncertain significance (3). Last evaluated 2026-01-08.

Conditions:
Cardiovascular phenotype. Identifiers: MedGen CN230736.
Dilated cardiomyopathy 1W (CMD1W). Identifiers: Orphanet 154, MedGen C1969639, MONDO:0012667, OMIM 611407.

Allele frequency attached by ClinVar (database versions not stated): ExAC 0.00001; gnomAD exomes 0.00001 and 0.00003; TOPMed 0.00001; gnomAD 0.00002.

Submissions (3):

Ambry Genetics
Classification: Uncertain significance for Cardiovascular phenotype. Last evaluated: 2026-01-08. Review status: criteria provided, single submitter. Criteria: Ambry Variant Classification Scheme 2023. Collection method: clinical testing. Allele origin: germline.
Comment: The p.R246H variant (also known as c.737G>A), located in coding exon 6 of the VCL gene, results from a G to A substitution at nucleotide position 737. The arginine at codon 246 is replaced by histidine, an amino acid with highly similar properties. This amino acid position is highly conserved in available vertebrate species. In addition, this alteration is predicted to be deleterious by in silico analysis. Based on the available evidence, the clinical significance of this variant remains unclear.

CeGaT Center for Human Genetics Tuebingen
Classification: Uncertain significance. Last evaluated: 2024-12-01. Review status: criteria provided, single submitter. Criteria: CeGaT Center For Human Genetics Tuebingen Variant Classification Criteria Version 2. Collection method: clinical testing. Allele origin: germline. Affected: yes. Observed: 1 variant allele.

Labcorp Genetics (formerly Invitae), Labcorp
Classification: Uncertain significance for Dilated cardiomyopathy 1W. Last evaluated: 2024-01-15. Review status: criteria provided, single submitter. Criteria: Invitae Variant Classification Sherloc (09022015). Collection method: clinical testing. Allele origin: germline.
Comment: This sequence change replaces arginine, which is basic and polar, with histidine, which is basic and polar, at codon 246 of the VCL protein (p.Arg246His). This variant is present in population databases (rs746577068, gnomAD 0.002%). This variant has not been reported in the literature in individuals affected with VCL-related conditions. ClinVar contains an entry for this variant (Variation ID: 202154). An algorithm developed to predict the effect of missense changes on protein structure and function (PolyPhen-2) suggests that this variant is likely to be disruptive. In summary, the available evidence is currently insufficient to determine the role of this variant in disease. Therefore, it has been classified as a Variant of Uncertain Significance.

NM_014000.3(VCL):c.737G>A (p.Arg246His)

Gene: VCL (vinculin; plus strand). Cytogenetic location: 10q22.2.
Variant type: single nucleotide variant.
Coding change: c.737G>A on transcript NM_014000.3 (MANE Select); coding-DNA position 737, G replaced by A.
Protein change: p.Arg246His; replaces arginine 246 with histidine.
Molecular consequence: missense variant.
Genome position (GRCh38, 1-based): chr10:74,074,857, G>A. VCF-style: chr10-74074857-G-A. GRCh37 (hg19) VCF-style: chr10-75834615-G-A.
Other names: c.737G>A, p.Arg246His (NM_003373.4); short protein forms R246H.
Identifiers: ClinVar variation 202154 (VCV000202154.18), dbSNP rs746577068, ClinGen allele CA335616.